The following is an entry in ClinVar:

ClinVar aggregate classification (germline): Uncertain significance (1 of 4 stars; one submission).

Allele frequency attached by ClinVar (database versions not stated): gnomAD 0.00001 and 0.00002; gnomAD exomes 0.00002 and 0.00003; TOPMed 0.00003.
gnomAD v4.1: 41 of 1,550,654 alleles (0.0026%); highest among the groups gnomAD compares: Admixed American, 0.0078%; no homozygotes.

Submission:

GeneDx
Classification: Uncertain significance. Last evaluated: 2021-06-14. Review status: criteria provided, single submitter. Criteria: GeneDx Variant Classification Process June 2021. Collection method: clinical testing. Allele origin: germline. Affected: yes.
Comment: In silico analysis supports that this missense variant does not alter protein structure/function; Has not been previously published as pathogenic or benign to our knowledge; This variant is associated with the following publications: (PMID: 27535533)

NM_001292063.2(OTOG):c.7925G>A (p.Arg2642Gln)

Gene: OTOG (otogelin; plus strand). Cytogenetic location: 11p15.1.
Variant type: single nucleotide variant.
Coding change: c.7925G>A on transcript NM_001292063.2 (MANE Select); coding-DNA position 7925, G replaced by A.
Protein change: p.Arg2642Gln; replaces arginine 2642 with glutamine.
Molecular consequence: missense variant.
Genome position (GRCh38, 1-based): chr11:17,639,453, G>A. VCF-style: chr11-17639453-G-A. GRCh37 (hg19) VCF-style: chr11-17661000-G-A.
Other names: c.7961G>A, p.Arg2654Gln (NM_001277269.2); short protein forms R2642Q, R2654Q.
Identifiers: ClinVar variation 1328891 (VCV001328891.2), dbSNP rs995727074, ClinGen allele CA218455121.